The following is an entry in ClinVar:

NM_203446.3(SYNJ1):c.3749A>T (p.Gln1250Leu)

Gene: SYNJ1 (synaptojanin 1; minus strand). Cytogenetic location: 21q22.11.
Variant type: single nucleotide variant.
Coding change: c.3749A>T on transcript NM_203446.3 (MANE Select); coding-DNA position 3749, A replaced by T.
Protein change: p.Gln1250Leu; replaces glutamine 1250 with leucine.
Molecular consequence: missense variant.
Genome position (GRCh38, 1-based): chr21:32,639,074, T>A on the plus strand (A>T on the coding strand, the complement: SYNJ1 is on the minus strand). VCF-style: chr21-32639074-T-A. GRCh37 (hg19) VCF-style: chr21-34011384-T-A.
Other names: c.3701A>T, p.Gln1234Leu (NM_001160302.2); c.3608A>T, p.Gln1203Leu (NM_001160306.2); c.3866A>T, p.Gln1289Leu (NM_003895.4); short protein forms Q1203L, Q1234L, Q1250L, Q1289L.
Identifiers: ClinVar variation 1005510 (VCV001005510.9), dbSNP rs1433204750, ClinGen allele CA410087204.

ClinVar aggregate classification (germline): Uncertain significance (1 of 4 stars; one submission).

Conditions:
Early-onset Parkinson disease 20. Also called: PARKINSON DISEASE 20, AUTOSOMAL RECESSIVE EARLY-ONSET. Identifiers: Orphanet 391411, MedGen C3809824, MONDO:0014233, OMIM 615530.
Developmental and epileptic encephalopathy, 53. Also called: Epileptic encephalopathy, early infantile, 53. Identifiers: MedGen C4479313, MONDO:0033362, OMIM 617389.

Submission:

Labcorp Genetics (formerly Invitae), Labcorp
Classification: Uncertain significance for Developmental and epileptic encephalopathy, 53; Early-onset Parkinson disease 20. Last evaluated: 2024-02-17. Review status: criteria provided, single submitter. Criteria: Invitae Variant Classification Sherloc (09022015). Collection method: clinical testing. Allele origin: germline.
Comment: This sequence change replaces glutamine, which is neutral and polar, with leucine, which is neutral and non-polar, at codon 1289 of the SYNJ1 protein (p.Gln1289Leu). This variant is not present in population databases (gnomAD no frequency). This variant has not been reported in the literature in individuals affected with SYNJ1-related conditions. ClinVar contains an entry for this variant (Variation ID: 1005510). Advanced modeling of protein sequence and biophysical properties (such as structural, functional, and spatial information, amino acid conservation, physicochemical variation, residue mobility, and thermodynamic stability) performed at Invitae indicates that this missense variant is not expected to disrupt SYNJ1 protein function with a negative predictive value of 80%. In summary, the available evidence is currently insufficient to determine the role of this variant in disease. Therefore, it has been classified as a Variant of Uncertain Significance.